The following is an entry in ClinVar:

ClinVar aggregate classification (germline): Uncertain significance (1 of 4 stars; one submission).

Conditions:
Inborn genetic diseases. Identifiers: MedGen C0950123, MeSH D030342.

Submission:

Ambry Genetics
Classification: Uncertain significance for Inborn genetic diseases. Last evaluated: 2026-04-02. Review status: criteria provided, single submitter. Criteria: Ambry Variant Classification Scheme 2023. Collection method: clinical testing. Allele origin: germline.
Comment: Thec.633-14A>G intronic variant consists of an A to G substitution 14 nucleotides before exon 8 (coding exon 8) of the SMARCC2 gene. This variant was not reported in population-based cohorts in the Genome Aggregation Database (gnomAD). This nucleotide position is well conserved in available vertebrate species. In silico splice site analysis predicts that this alteration will weaken the native splice acceptor site and will result in the creation or strengthening of a novel splice acceptor site. Based on insufficient or conflicting evidence, the clinical significance of this alteration remains unclear.

NM_001330288.2(SMARCC2):c.633-14A>G

Gene: SMARCC2 (SWI/SNF related BAF chromatin remodeling complex subunit C2; minus strand). Cytogenetic location: 12q13.2.
Variant type: single nucleotide variant.
Coding change: c.633-14A>G on transcript NM_001330288.2 (MANE Select); 14 bases into the intron before coding-DNA position 633, A replaced by G.
Molecular consequence: intron variant.
Genome position (GRCh38, 1-based): chr12:56,182,093, T>C on the plus strand (A>G on the coding strand, the complement: SMARCC2 is on the minus strand). VCF-style: chr12-56182093-T-C. GRCh37 (hg19) VCF-style: chr12-56575877-T-C.
Other names: c.633-14A>G (NM_003075.5, NM_139067.4, NM_001130420.3).
Identifiers: ClinVar variation 4864851 (VCV004864851.1).